The following is an entry in ClinVar:

ClinVar aggregate classification (germline): Uncertain significance (1 of 4 stars; one submission).

Submission:

Ambry Genetics
Classification: Uncertain significance. Last evaluated: 2022-11-12. Review status: criteria provided, single submitter. Criteria: Ambry Variant Classification Scheme 2023. Collection method: clinical testing. Allele origin: germline.
Comment: The p.S289I variant (also known as c.866G>T), located in coding exon 9 of the KIF1B gene, results from a G to T substitution at nucleotide position 866. The serine at codon 289 is replaced by isoleucine, an amino acid with dissimilar properties. This amino acid position is conserved. In addition, the in silico prediction for this alteration is inconclusive. Since supporting evidence is limited at this time, the clinical significance of this alteration remains unclear.

NM_001365951.3(KIF1B):c.884G>T (p.Ser295Ile)

Gene: KIF1B (kinesin family member 1B; plus strand). Cytogenetic location: 1p36.22.
Variant type: single nucleotide variant.
Coding change: c.884G>T on transcript NM_001365951.3 (MANE Select); coding-DNA position 884, G replaced by T.
Protein change: p.Ser295Ile; replaces serine 295 with isoleucine.
Molecular consequence: missense variant.
Genome position (GRCh38, 1-based): chr1:10,275,429, G>T. VCF-style: chr1-10275429-G-T. GRCh37 (hg19) VCF-style: chr1-10335487-G-T.
Other names: c.884G>T, p.Ser295Ile (NM_001365952.1); c.866G>T, p.Ser289Ile (NM_001365953.1, NM_015074.3, NM_183416.4); short protein forms S289I, S295I.
Identifiers: ClinVar variation 2448705 (VCV002448705.2), dbSNP rs549784845, ClinGen allele CA338332406.